The following is an entry in ClinVar:

NM_003803.4(MYOM1):c.776A>G (p.Glu259Gly)

Gene: MYOM1 (myomesin 1; minus strand). Cytogenetic location: 18p11.31.
Variant type: single nucleotide variant.
Coding change: c.776A>G on transcript NM_003803.4 (MANE Select); coding-DNA position 776, A replaced by G.
Protein change: p.Glu259Gly; replaces glutamic acid 259 with glycine.
Molecular consequence: missense variant.
Genome position (GRCh38, 1-based): chr18:3,187,633, T>C on the plus strand (A>G on the coding strand, the complement: MYOM1 is on the minus strand). VCF-style: chr18-3187633-T-C. GRCh37 (hg19) VCF-style: chr18-3187631-T-C.
Other names: c.776A>G, p.Glu259Gly (NM_019856.2); short protein forms E259G.
Identifiers: ClinVar variation 945028 (VCV000945028.7), dbSNP rs752850247, ClinGen allele CA8875154.
Genomic context (GRCh38, chr18:3,187,633, plus strand): 5'-AACTCAGGAGCATGGAGAAGATGGTCTTCATTCAGCTTGGCATGATATGTCTCGGTTTCT[T>C]CTAACTGAAAAAACAAATATGCAAACAAACATATTACCAAAATACCAATAAATCAAAGTG-3'
Protein context (NP_003794.3, residues 249-269): AERLSLRKTL[Glu259Gly]ETETYHAKLN

ClinVar aggregate classification (germline): Uncertain significance. Review status: criteria provided, multiple submitters, no conflicts (2 of 4 stars). 2 submissions from 2 submitters: Uncertain significance (2). Last evaluated 2024-12-30.

Conditions:
Hypertrophic cardiomyopathy. Also called: HYPERTROPHIC MYOCARDIOPATHY. Identifiers: Orphanet 217569, MedGen C0007194, MeSH D002312, MONDO:0005045, HP:0001639.

Allele frequency attached by ClinVar (database versions not stated): gnomAD 0.00001; ExAC 0.00002; gnomAD exomes 0.00002; TOPMed 0.00002.
gnomAD v4.1: 30 of 1,590,288 alleles (0.0019%); highest among the groups gnomAD compares: Non-Finnish European, 0.0023%; no homozygotes.

Submissions (2):

Labcorp Genetics (formerly Invitae), Labcorp
Classification: Uncertain significance for Hypertrophic cardiomyopathy. Last evaluated: 2024-12-30. Review status: criteria provided, single submitter. Criteria: Invitae Variant Classification Sherloc (09022015). Collection method: clinical testing. Allele origin: germline.
Comment: This sequence change replaces glutamic acid, which is acidic and polar, with glycine, which is neutral and non-polar, at codon 259 of the MYOM1 protein (p.Glu259Gly). This variant is present in population databases (rs752850247, gnomAD 0.004%). This variant has not been reported in the literature in individuals affected with MYOM1-related conditions. ClinVar contains an entry for this variant (Variation ID: 945028). Invitae Evidence Modeling of protein sequence and biophysical properties (such as structural, functional, and spatial information, amino acid conservation, physicochemical variation, residue mobility, and thermodynamic stability) indicates that this missense variant is not expected to disrupt MYOM1 protein function with a negative predictive value of 80%. In summary, the available evidence is currently insufficient to determine the role of this variant in disease. Therefore, it has been classified as a Variant of Uncertain Significance.

Ambry Genetics
Classification: Uncertain significance. Last evaluated: 2024-10-27. Review status: criteria provided, single submitter. Criteria: Ambry Variant Classification Scheme 2023. Collection method: clinical testing. Allele origin: germline.
Comment: The p.E259G variant (also known as c.776A>G), located in coding exon 4 of the MYOM1 gene, results from an A to G substitution at nucleotide position 776. The glutamic acid at codon 259 is replaced by glycine, an amino acid with similar properties. This amino acid position is conserved. In addition, this alteration is predicted to be tolerated by in silico analysis. Since supporting evidence is limited at this time, the clinical significance of this alteration remains unclear.